The following is an entry in ClinVar:

ClinVar aggregate classification (germline): Conflicting classifications of pathogenicity. Review status: criteria provided, conflicting classifications (1 of 4 stars). 3 submissions from 3 submitters: Pathogenic (1); Likely pathogenic (1); Uncertain significance (1). Last evaluated 2025-01-30.

Conditions:
Shashi-Pena syndrome (SHAPNS). Identifiers: Orphanet 689408, MedGen C4310672, MONDO:0014963, OMIM 617190.

Submissions (3):

Medgenome Labs Ltd
Classification: Likely pathogenic for Shashi-Pena syndrome. Last evaluated: 2025-01-30. Review status: criteria provided, single submitter. Criteria: ACMG Guidelines, 2015. Collection method: clinical testing. Allele origin: germline. Affected: yes.

CeGaT Center for Human Genetics Tuebingen
Classification: Uncertain significance. Last evaluated: 2021-10-01. Review status: criteria provided, single submitter. Criteria: CeGaT Center For Human Genetics Tuebingen Variant Classification Criteria Version 2. Collection method: clinical testing. Allele origin: germline. Affected: yes. Observed: 1 variant allele.

GeneDx
Classification: Pathogenic. Last evaluated: 2019-02-20. Review status: criteria provided, single submitter. Criteria: GeneDx Variant Classification (06012015). Collection method: clinical testing. Allele origin: germline. Affected: yes.
Comment: The c.1879dupT pathogenic variant in the ASXL2 gene causes a frameshift starting with codon Serine 627, changes this amino acid to a Phenylalanine residue and creates a premature Stop codon at position 22 of the new reading frame, denoted p.Ser627PhefsX22. This pathogenic variant is predicted to cause loss of normal protein function through protein truncation as the last 809 amino acids of the protein are lost and replaced with 21 incorrect amino acids. The c.1879dupT variant is not observed in large population cohorts (Lek et al., 2016).

NM_018263.6(ASXL2):c.1879dup (p.Ser627fs)

Gene: ASXL2 (ASXL transcriptional regulator 2; minus strand). Cytogenetic location: 2p23.3.
Variant type: Duplication.
Coding change: c.1879dup on transcript NM_018263.6 (MANE Select); coding-DNA position 1879, one base duplicated (T; older notation c.1879dupT).
Protein change: p.Ser627fs; shifts the reading frame from serine 627.
Molecular consequence: frameshift variant.
Genome position (GRCh38, 1-based): chr2:25,744,458, A duplicated on the plus strand (T on the coding strand, the reverse complement: ASXL2 is on the minus strand). VCF-style (leftmost placement, unchanged base first): chr2-25744457-G-GA. GRCh37 (hg19) VCF-style: chr2-25967326-G-GA.
Other names: c.1705dup, p.Ser569fs (NM_001369346.1); c.1099dup, p.Ser367fs (NM_001369347.1); short protein forms S367fs, S569fs, S627fs.
Identifiers: ClinVar variation 817477 (VCV000817477.37), dbSNP rs1574391468, ClinGen allele CA915943752.